The following is an entry in ClinVar:

ClinVar aggregate classification (germline): Likely pathogenic (1 of 4 stars; one submission).

Conditions:
Hereditary spastic paraplegia 4. Also called: Spastic paraplegia 4, autosomal dominant; Spastic Paraplegia 4; Familial spastic paraplegia autosomal dominant 2. Identifiers: Orphanet 100985, MedGen C1866855, MONDO:0008438, OMIM 182601.

Submission:

Labcorp Genetics (formerly Invitae), Labcorp
Classification: Likely pathogenic for Hereditary spastic paraplegia 4. Last evaluated: 2019-08-07. Review status: criteria provided, single submitter. Criteria: Invitae Variant Classification Sherloc (09022015). Collection method: clinical testing. Allele origin: germline.
Comment: In summary, the currently available evidence indicates that the variant is pathogenic, but additional data are needed to prove that conclusively. Therefore, this variant has been classified as Likely Pathogenic. This variant disrupts the p.Asp441 amino acid residue in SPAST. Other variant(s) that disrupt this residue have been determined to be pathogenic (PMID: 11039577, 16788734, 17100993, 17971434). This suggests that this residue is clinically significant, and that variants that disrupt this residue are likely to be disease-causing. Algorithms developed to predict the effect of sequence changes on RNA splicing suggest that this variant may disrupt the consensus splice site, but this prediction has not been confirmed by published transcriptional studies. Algorithms developed to predict the effect of missense changes on protein structure and function (SIFT, PolyPhen-2, Align-GVGD) all suggest that this variant is likely to be disruptive, but these predictions have not been confirmed by published functional studies and their clinical significance is uncertain. This variant has been observed in individuals affected with hereditary spastic paraplegia (PMID: 24824479, 26374131). This variant is not present in population databases (ExAC no frequency). This sequence change replaces aspartic acid with valine at codon 441 of the SPAST protein (p.Asp441Val). The aspartic acid residue is highly conserved and there is a large physicochemical difference between aspartic acid and valine.

Literature cited by the submitters: PubMed 11039577; PubMed 16788734; PubMed 17100993; PubMed 17971434; PubMed 24824479; PubMed 26374131.

NM_014946.4(SPAST):c.1322A>T (p.Asp441Val)

Gene: SPAST (spastin; plus strand). Cytogenetic location: 2p22.3.
Variant type: single nucleotide variant.
Coding change: c.1322A>T on transcript NM_014946.4 (MANE Select); coding-DNA position 1322, A replaced by T.
Protein change: p.Asp441Val; replaces aspartic acid 441 with valine.
Molecular consequence: missense variant.
Genome position (GRCh38, 1-based): chr2:32,136,877, A>T. VCF-style: chr2-32136877-A-T. GRCh37 (hg19) VCF-style: chr2-32361946-A-T.
Other names: c.1319A>T, p.Asp440Val (NM_001363823.2); c.1223A>T, p.Asp408Val (NM_001363875.2); c.1226A>T, p.Asp409Val (NM_001377959.1, NM_199436.2); short protein forms D409V, D441V, D440V, D408V.
Identifiers: ClinVar variation 964496 (VCV000964496.9), dbSNP rs121908512, ClinGen allele CA346502158.